The following is an entry in ClinVar:

NM_206933.4(USH2A):c.9800G>T (p.Cys3267Phe)

Gene: USH2A (usherin; minus strand). Cytogenetic location: 1q41.
Variant type: single nucleotide variant.
Coding change: c.9800G>T on transcript NM_206933.4 (MANE Select); coding-DNA position 9800, G replaced by T.
Protein change: p.Cys3267Phe; replaces cysteine 3267 with phenylalanine.
Molecular consequence: missense variant.
Genome position (GRCh38, 1-based): chr1:215,799,065, C>A on the plus strand (G>T on the coding strand, the complement: USH2A is on the minus strand). VCF-style: chr1-215799065-C-A. GRCh37 (hg19) VCF-style: chr1-215972407-C-A.
Other names: short protein forms C3267F.
Identifiers: ClinVar variation 1006654 (VCV001006654.8), dbSNP rs1662225276, ClinGen allele CA344849700.

ClinVar aggregate classification (germline): Likely pathogenic (1 of 4 stars; one submission).

Allele frequency attached by ClinVar (database versions not stated): gnomAD exomes below 0.00001.
gnomAD v4.1: 1 of 1,614,064 alleles (0.000062%); highest among the groups gnomAD compares: Non-Finnish European, 0.000085%; no homozygotes.

Submission:

Labcorp Genetics (formerly Invitae), Labcorp
Classification: Likely pathogenic. Last evaluated: 2022-11-29. Review status: criteria provided, single submitter. Criteria: Invitae Variant Classification Sherloc (09022015). Collection method: clinical testing. Allele origin: germline.
Comment: Advanced modeling of protein sequence and biophysical properties (such as structural, functional, and spatial information, amino acid conservation, physicochemical variation, residue mobility, and thermodynamic stability) performed at Invitae indicates that this missense variant is expected to disrupt USH2A protein function. ClinVar contains an entry for this variant (Variation ID: 1006654). In summary, the currently available evidence indicates that the variant is pathogenic, but additional data are needed to prove that conclusively. Therefore, this variant has been classified as Likely Pathogenic. This variant disrupts the p.Cys3267 amino acid residue in USH2A. Other variant(s) that disrupt this residue have been determined to be pathogenic (PMID: 17085681, 22004887, 25404053, 30190494). This suggests that this residue is clinically significant, and that variants that disrupt this residue are likely to be disease-causing. This missense change has been observed in individual(s) with clinical features of USH2A-related conditions (Invitae). This variant is not present in population databases (gnomAD no frequency). This sequence change replaces cysteine, which is neutral and slightly polar, with phenylalanine, which is neutral and non-polar, at codon 3267 of the USH2A protein (p.Cys3267Phe).

Literature cited by the submitters: PubMed 17085681; PubMed 22004887; PubMed 25404053; PubMed 30190494.